The following is an entry in ClinVar:

ClinVar aggregate classification (germline): Conflicting classifications of pathogenicity. Review status: criteria provided, conflicting classifications (1 of 4 stars). 2 submissions from 2 submitters: Uncertain significance (1); Likely benign (1). Last evaluated 2025-08-01.

Conditions:
Emery-Dreifuss muscular dystrophy 4, autosomal dominant (EDMD4). Also called: EMERY-DREIFUSS MUSCULAR DYSTROPHY 4 WITH VARIABLE FEATURES. Identifiers: Orphanet 261, MedGen C2751807, MONDO:0013071, OMIM 612998.
Autosomal recessive ataxia, Beauce type. Also called: SYNE1-Related Autosomal Recessive Cerebellar Ataxia; Spinocerebellar ataxia, autosomal recessive 8; ATAXIA, RECESSIVE, OF BEAUCE; SYNE1 Deficiency. Identifiers: Orphanet 88644, MedGen C1853116, MONDO:0012549, OMIM 610743.

Allele frequency attached by ClinVar (database versions not stated): gnomAD 0.00001; TOPMed 0.00001; gnomAD exomes 0.00002.
gnomAD v4.1: 35 of 1,613,518 alleles (0.0022%); highest among the groups gnomAD compares: Non-Finnish European, 0.0028%; no homozygotes.

Submissions (2):

CeGaT Center for Human Genetics Tuebingen
Classification: Uncertain significance. Last evaluated: 2025-08-01. Review status: criteria provided, single submitter. Criteria: CeGaT Center For Human Genetics Tuebingen Variant Classification Criteria Version 2. Collection method: clinical testing. Allele origin: germline. Affected: yes. Observed: 2 variant alleles.
Comment: SYNE1: PM2, BP4

Labcorp Genetics (formerly Invitae), Labcorp
Classification: Likely benign for Emery-Dreifuss muscular dystrophy 4, autosomal dominant; Autosomal recessive ataxia, Beauce type. Last evaluated: 2024-10-18. Review status: criteria provided, single submitter. Criteria: Invitae Variant Classification Sherloc (09022015). Collection method: clinical testing. Allele origin: germline.

NM_182961.4(SYNE1):c.22515C>T (p.Phe7505=)

Gene: SYNE1 (spectrin repeat containing nuclear envelope protein 1; minus strand). Cytogenetic location: 6q25.2.
Variant type: single nucleotide variant.
Coding change: c.22515C>T on transcript NM_182961.4 (MANE Select); coding-DNA position 22515, C replaced by T.
Protein change: p.Phe7505=; no amino-acid change (phenylalanine 7505 retained).
Molecular consequence: synonymous variant.
Genome position (GRCh38, 1-based): chr6:152,211,568, G>A on the plus strand (C>T on the coding strand, the complement: SYNE1 is on the minus strand). VCF-style: chr6-152211568-G-A. GRCh37 (hg19) VCF-style: chr6-152532703-G-A.
Other names: c.22302C>T, p.Phe7434= (NM_033071.5).
Identifiers: ClinVar variation 2085587 (VCV002085587.26), dbSNP rs1452751760, ClinGen allele CA452748277.